The following is an entry in ClinVar:

ClinVar aggregate classification (germline): Uncertain significance (1 of 4 stars; one submission).

Conditions:
Primary ciliary dyskinesia. Also called: Ciliary dyskinesia. Identifiers: Orphanet 244, MedGen C0008780, MONDO:0016575, HP:0012265.

gnomAD v4.1: 155 of 1,613,952 alleles (0.0096%); highest among the groups gnomAD compares: Non-Finnish European, 0.012%; no homozygotes.

Submission:

Labcorp Genetics (formerly Invitae), Labcorp
Classification: Uncertain significance for Primary ciliary dyskinesia. Last evaluated: 2025-03-07. Review status: criteria provided, single submitter. Criteria: Invitae Variant Classification Sherloc (09022015). Collection method: clinical testing. Allele origin: germline.
Comment: This sequence change replaces arginine, which is basic and polar, with histidine, which is basic and polar, at codon 4240 of the DNAH8 protein (p.Arg4240His). This variant is present in population databases (rs201939427, gnomAD 0.02%). This variant has not been reported in the literature in individuals affected with DNAH8-related conditions. Invitae Evidence Modeling of protein sequence and biophysical properties (such as structural, functional, and spatial information, amino acid conservation, physicochemical variation, residue mobility, and thermodynamic stability) indicates that this missense variant is not expected to disrupt DNAH8 protein function with a negative predictive value of 80%. In summary, the available evidence is currently insufficient to determine the role of this variant in disease. Therefore, it has been classified as a Variant of Uncertain Significance.

NM_001206927.2(DNAH8):c.12719G>A (p.Arg4240His)

Gene: DNAH8 (dynein axonemal heavy chain 8; plus strand). Cytogenetic location: 6p21.2.
Variant type: single nucleotide variant.
Coding change: c.12719G>A on transcript NM_001206927.2 (MANE Select); coding-DNA position 12719, G replaced by A.
Protein change: p.Arg4240His; replaces arginine 4240 with histidine.
Molecular consequence: missense variant.
Genome position (GRCh38, 1-based): chr6:38,974,414, G>A. VCF-style: chr6-38974414-G-A. GRCh37 (hg19) VCF-style: chr6-38942190-G-A.
Other names: c.12068G>A, p.Arg4023His (NM_001371.4); short protein forms R4023H, R4240H.
Identifiers: ClinVar variation 4749242 (VCV004749242.1).